The following is an entry in ClinVar:

NM_000169.3(GLA):c.145C>T (p.Arg49Cys)

Genes: GLA (galactosidase alpha; minus strand), RPL36A-HNRNPH2 (RPL36A-HNRNPH2 readthrough; plus strand). Cytogenetic location: Xq22.1.
Variant type: single nucleotide variant.
Coding change: c.145C>T on transcript NM_000169.3 (MANE Select); coding-DNA position 145, C replaced by T.
Protein change: p.Arg49Cys; replaces arginine 49 with cysteine.
Molecular consequence: missense variant. On other transcripts: non-coding transcript variant (3), intron variant (2).
Genome position (GRCh38, 1-based): chrX:101,407,759, G>A on the plus strand (C>T on the coding strand, the complement: GLA is on the minus strand). VCF-style: chrX-101407759-G-A. GRCh37 (hg19) VCF-style: chrX-100662747-G-A.
Other names: c.145C>T, p.Arg49Cys (NM_001406747.1, NM_001406748.1, NM_001406749.1); c.301-4177G>A (NM_001199973.2); c.178-4177G>A (NM_001199974.2); short protein forms R49C.
Identifiers: ClinVar variation 4079370 (VCV004079370.3).

ClinVar aggregate classification (germline): Pathogenic. Review status: criteria provided, multiple submitters, no conflicts (2 of 4 stars). 2 submissions from 2 submitters: Pathogenic (2). Last evaluated 2026-09-08.

Conditions:
Fabry disease. Also called: ALPHA-GALACTOSIDASE A DEFICIENCY; ANDERSON-FABRY DISEASE; CERAMIDE TRIHEXOSIDASE DEFICIENCY; GLA DEFICIENCY; HEREDITARY DYSTOPIC LIPIDOSIS; Angiokeratoma corporis diffusum. Identifiers: Orphanet 324, MedGen C0002986, MONDO:0010526, OMIM 301500, HP:0001071. Disease mechanism: Fabry disease is due to inactivating mutations in the X-linked GLA gene resulting in deficiency of the enzyme Alpha Galactosidase-A., loss of function.

Submissions (2):

Genomenon, Inc
Classification: Pathogenic for Fabry disease. Last evaluated: 2026-09-08. Review status: criteria provided, single submitter. Criteria: Genomenon Sequence Variant Interpretation Standards - Updated. Collection method: curation. Allele origin: germline. Affected: yes.
Comment: GLA p.Arg49Cys (c.145C>T) is a missense variant that changes the amino acid at codon 49 from Arginine to Cysteine. This variant has been observed in at least one proband with clinical features consistent with Fabry disease (PMID:25900714;31996269;39669636;37914990). The variant was found to segregate with disease in at least one affected family (PMID:37914990). At least one functional study has demonstrated a substantial alteration in protein function relative to the wild-type (PMID:32023956;27657681;23935525). This variant is located in a mutational hotspot and/or important functional domain. It is absent or not present at a significant frequency in gnomAD. In silico models predict that this variant is possibly or probably damaging. In conclusion, we classify GLA p.Arg49Cys (c.145C>T) as a pathogenic variant.

Revvity Omics, Revvity
Classification: Pathogenic. Last evaluated: 2024-08-09. Review status: criteria provided, single submitter. Criteria: ACMG Guidelines, 2015. Collection method: clinical testing. Allele origin: germline.

Literature cited by the submitters: PubMed 25900714 (cited by Genomenon, Inc); PubMed 31996269 (cited by Genomenon, Inc); PubMed 39669636 (cited by Genomenon, Inc); PubMed 37914990 (cited by Genomenon, Inc); PubMed 32023956 (cited by Genomenon, Inc); PubMed 27657681 (cited by Genomenon, Inc); PubMed 23935525 (cited by Genomenon, Inc).